The following is an entry in ClinVar:

ClinVar aggregate classification (germline): Uncertain significance. Review status: criteria provided, multiple submitters, no conflicts (2 of 4 stars). 2 submissions from 2 submitters: Uncertain significance (2). Last evaluated 2024-08-20.

Conditions:
Inborn genetic diseases. Identifiers: MedGen C0950123, MeSH D030342.

Allele frequency attached by ClinVar (database versions not stated): 1000 Genomes Project 30x 0.00016; ESP Exome Variant Server 0.00031.
gnomAD v4.1: 121 of 1,611,958 alleles (0.0075%); highest among the groups gnomAD compares: African/African-American, 0.092%; 1 homozygote.

Submissions (3):

Ambry Genetics
Classification: Uncertain significance for Inborn genetic diseases. Last evaluated: 2024-08-20. Review status: criteria provided, single submitter. Criteria: Ambry Variant Classification Scheme 2023. Collection method: clinical testing. Allele origin: germline.

Labcorp Genetics (formerly Invitae), Labcorp
Classification: Uncertain significance. Last evaluated: 2022-08-19. Review status: criteria provided, single submitter. Criteria: Invitae Variant Classification Sherloc (09022015). Collection method: clinical testing. Allele origin: germline.
Comment: This sequence change replaces arginine, which is basic and polar, with proline, which is neutral and non-polar, at codon 217 of the PNPLA8 protein (p.Arg217Pro). This variant is present in population databases (rs35597447, gnomAD 0.1%). This variant has not been reported in the literature in individuals affected with PNPLA8-related conditions. Algorithms developed to predict the effect of missense changes on protein structure and function (SIFT, PolyPhen-2, Align-GVGD) all suggest that this variant is likely to be tolerated. In summary, the available evidence is currently insufficient to determine the role of this variant in disease. Therefore, it has been classified as a Variant of Uncertain Significance.

Dr. Peter K. Rogan Lab, Western University
No classification provided (evidence only). Condition: Melanoma. Review status: no classification provided. Collection method: in vitro. Allele origin: not applicable. Functional consequence: retained intron. Not counted in ClinVar's aggregate classification.

NM_001256007.3(PNPLA8):c.650G>C (p.Arg217Pro)

Gene: PNPLA8 (patatin like domain 8, phospholipase A2; minus strand). Cytogenetic location: 7q31.1.
Variant type: single nucleotide variant.
Coding change: c.650G>C on transcript NM_001256007.3 (MANE Select); coding-DNA position 650, G replaced by C.
Protein change: p.Arg217Pro; replaces arginine 217 with proline.
Molecular consequence: missense variant.
Genome position (GRCh38, 1-based): chr7:108,514,842, C>G on the plus strand (G>C on the coding strand, the complement: PNPLA8 is on the minus strand). VCF-style: chr7-108514842-C-G. GRCh37 (hg19) VCF-style: chr7-108155286-C-G.
Other names: c.650G>C, p.Arg217Pro (NM_001256008.3, NM_001256009.3, NM_015723.5); c.350G>C, p.Arg117Pro (NM_001256010.3, NM_001256011.3); c.650G>C (NM_015723.2); short protein forms R117P, R217P.
Identifiers: ClinVar variation 2196680 (VCV002196680.3), dbSNP rs35597447, ClinGen allele CA4439783.
Genomic context (GRCh38, chr7:108,514,842, plus strand): 5'-TCAAGTTCTGATTTGTCCCGGAAATGTTCATTTTCCTTTTGTTGAGACATTTTTTCCTTA[C>G]GTTTGAAATATGAATTAATATGATTTGATAAAAAGTAGAATGAGTCTCCAAATTTTGTGG-3'
Protein context (NP_001242936.1, residues 207-227): LSNHINSYFK[Arg217Pro]KEKMSQQKEN